The following is an entry in ClinVar:

NM_000057.4(BLM):c.1063C>G (p.Pro355Ala)

Gene: BLM (BLM RecQ like helicase; plus strand). Cytogenetic location: 15q26.1.
Variant type: single nucleotide variant.
Coding change: c.1063C>G on transcript NM_000057.4 (MANE Select); coding-DNA position 1063, C replaced by G.
Protein change: p.Pro355Ala; replaces proline 355 with alanine.
Molecular consequence: missense variant. On other transcripts: 5 prime UTR variant (1).
Genome position (GRCh38, 1-based): chr15:90,754,914, C>G. VCF-style: chr15-90754914-C-G. GRCh37 (hg19) VCF-style: chr15-91298144-C-G.
Other names: c.1063C>G, p.Pro355Ala (NM_001287246.2, NM_001287247.2); c.-229C>G (NM_001287248.2); short protein forms P355A.
Identifiers: ClinVar variation 1020224 (VCV001020224.11), dbSNP rs1895778825, ClinGen allele CA393842212.

ClinVar aggregate classification (germline): Uncertain significance. Review status: criteria provided, multiple submitters, no conflicts (2 of 4 stars). 3 submissions from 3 submitters: Uncertain significance (3). Last evaluated 2026-06-12.

Conditions:
Hereditary cancer-predisposing syndrome. Also called: Hereditary neoplastic syndrome; Neoplastic Syndromes, Hereditary; Tumor predisposition; Hereditary Cancer Syndrome. Identifiers: Orphanet 140162, MedGen C0027672, MeSH D009386, MONDO:0015356.
Bloom syndrome (BLM). Also called: Bloom-Torre-Machacek syndrome. Identifiers: Orphanet 125, MedGen C0005859, MONDO:0008876, OMIM 210900.

gnomAD v4.1: 1 of 1,613,918 alleles (0.000062%); no homozygotes.

Submissions (3):

Ambry Genetics
Classification: Uncertain significance for Hereditary cancer-predisposing syndrome. Last evaluated: 2026-06-12. Review status: criteria provided, single submitter. Criteria: Ambry Variant Classification Scheme 2023. Collection method: clinical testing. Allele origin: germline.
Comment: The p.P355A variant (also known as c.1063C>G), located in coding exon 4 of the BLM gene, results from a C to G substitution at nucleotide position 1063. The proline at codon 355 is replaced by alanine, an amino acid with highly similar properties. This amino acid position is conserved. In addition, this alteration is predicted to be tolerated by in silico analysis. Based on the available evidence, the clinical significance of this variant remains unclear.

Sema4
Classification: Uncertain significance for Hereditary cancer-predisposing syndrome. Last evaluated: 2021-10-14. Review status: criteria provided, single submitter. Criteria: Sema4 Curation Guidelines. Collection method: curation. Allele origin: germline.
Comment: The BLM c.1063C>G (p.P355A) variant has not been reported in the literature to our knowledge. It was not observed in the large and broad cohorts of the Genome Aggregation Database (PMID: 32461654). This variant has been reported in ClinVar (Variation ID: 1020224). In silico tools suggest the impact of the variant on protein function is benign, though these predictions have not been confirmed by functional studies. The evidence is insufficient to meet ACMG/AMP criteria for classifying the variant as benign or pathogenic. Thus, the clinical significance of this variant is currently uncertain.

Labcorp Genetics (formerly Invitae), Labcorp
Classification: Uncertain significance for Bloom syndrome. Last evaluated: 2020-08-14. Review status: criteria provided, single submitter. Criteria: Invitae Variant Classification Sherloc (09022015). Collection method: clinical testing. Allele origin: germline.
Comment: This sequence change replaces proline with alanine at codon 355 of the BLM protein (p.Pro355Ala). The proline residue is weakly conserved and there is a small physicochemical difference between proline and alanine. This variant is not present in population databases (ExAC no frequency). This variant has not been reported in the literature in individuals with BLM-related conditions. Algorithms developed to predict the effect of missense changes on protein structure and function (SIFT, PolyPhen-2, Align-GVGD) all suggest that this variant is likely to be tolerated, but these predictions have not been confirmed by published functional studies and their clinical significance is uncertain. In summary, the available evidence is currently insufficient to determine the role of this variant in disease. Therefore, it has been classified as a Variant of Uncertain Significance.